The following is an entry in ClinVar:

NM_001365951.3(KIF1B):c.2732C>T (p.Pro911Leu)

Genes: KIF1B (kinesin family member 1B; plus strand), LOC126805614 (BRD4-independent group 4 enhancer GRCh37_chr1:10385546-10386745; plus strand). Cytogenetic location: 1p36.22.
Variant type: single nucleotide variant.
Coding change: c.2732C>T on transcript NM_001365951.3 (MANE Select); coding-DNA position 2732, C replaced by T.
Protein change: p.Pro911Leu; replaces proline 911 with leucine.
Molecular consequence: missense variant.
Genome position (GRCh38, 1-based): chr1:10,326,167, C>T. VCF-style: chr1-10326167-C-T. GRCh37 (hg19) VCF-style: chr1-10386225-C-T.
Other names: c.2732C>T, p.Pro911Leu (NM_001365952.1); c.2594C>T, p.Pro865Leu (NM_015074.3); short protein forms P865L, P911L.
Identifiers: ClinVar variation 3288457 (VCV003288457.1).
Genomic context (GRCh38, chr1:10,326,167, plus strand): 5'-CTAGCTCCCCCATTTTCCACGGCTGTGTGAACGAGCGCCTTGCCGACCGCACACCCTCCC[C>T]CACTTTTTCCACGGCCGATTCCGACATCACTGAGCTGGCTGACGAGCAGCAAGATGAGAT-3'
Protein context (NP_001352880.1, residues 901-921): NERLADRTPS[Pro911Leu]TFSTADSDIT

ClinVar aggregate classification (germline): Uncertain significance (1 of 4 stars; one submission).

Submission:

Ambry Genetics
Classification: Uncertain significance. Last evaluated: 2024-05-19. Review status: criteria provided, single submitter. Criteria: Ambry Variant Classification Scheme 2023. Collection method: clinical testing. Allele origin: germline.
Comment: The p.P865L variant (also known as c.2594C>T), located in coding exon 24 of the KIF1B gene, results from a C to T substitution at nucleotide position 2594. The proline at codon 865 is replaced by leucine, an amino acid with similar properties. This amino acid position is conserved. In addition, this alteration is predicted to be deleterious by in silico analysis. Based on the available evidence, the clinical significance of this variant remains unclear.